The following is an entry in ClinVar:

ClinVar aggregate classification (germline): Uncertain significance. Review status: criteria provided, multiple submitters, no conflicts (2 of 4 stars). 4 submissions from 4 submitters: Uncertain significance (4). Last evaluated 2022-10-11.

Conditions:
Inborn genetic diseases. Identifiers: MedGen C0950123, MeSH D030342.
Kufor-Rakeb syndrome (KRS). Also called: PARKINSON DISEASE 9, AUTOSOMAL RECESSIVE, JUVENILE-ONSET. Identifiers: Orphanet 306674, Orphanet 314632, MedGen C1847640, MONDO:0011706, OMIM 606693.
Autosomal recessive spastic paraplegia type 78. Identifiers: Orphanet 513436, MedGen C5567893, MONDO:0014975, OMIM 617225.

Allele frequency attached by ClinVar (database versions not stated): gnomAD exomes 0.00001; TOPMed 0.00001.
gnomAD v4.1: 6 of 1,552,090 alleles (0.00039%); highest among the groups gnomAD compares: Admixed American, 0.0058%; no homozygotes.

Submissions (4):

GeneDx
Classification: Uncertain significance. Last evaluated: 2022-10-11. Review status: criteria provided, single submitter. Criteria: GeneDx Variant Classification Process June 2021. Collection method: clinical testing. Allele origin: germline. Affected: yes.
Comment: Not observed at significant frequency in large population cohorts (gnomAD); In silico analysis supports that this missense variant has a deleterious effect on protein structure/function; Identified in the heterozygous state in an individual from a cohort of 60 patients with Parkinsons disease, but familial segregation information and clinical information were not included (Yemni et al., 2019); This variant is associated with the following publications: (PMID: 30833663)

Labcorp Genetics (formerly Invitae), Labcorp
Classification: Uncertain significance for Kufor-Rakeb syndrome; Autosomal recessive spastic paraplegia type 78. Last evaluated: 2021-10-14. Review status: criteria provided, single submitter. Criteria: Invitae Variant Classification Sherloc (09022015). Collection method: clinical testing. Allele origin: germline.
Comment: In summary, the available evidence is currently insufficient to determine the role of this variant in disease. Therefore, it has been classified as a Variant of Uncertain Significance. Algorithms developed to predict the effect of missense changes on protein structure and function (SIFT, PolyPhen-2, Align-GVGD) all suggest that this variant is likely to be disruptive, but these predictions have not been confirmed by published functional studies and their clinical significance is uncertain. This variant has been observed in individual(s) with Parkinson disease (PMID: 30833663). ClinVar contains an entry for this variant (Variation ID: 985083). The frequency data for this variant in the population databases is considered unreliable, as metrics indicate insufficient coverage at this position in the ExAC database. This sequence change replaces threonine with methionine at codon 515 of the ATP13A2 protein (p.Thr515Met). The threonine residue is highly conserved and there is a moderate physicochemical difference between threonine and methionine.

Ambry Genetics
Classification: Uncertain significance for Inborn genetic diseases. Last evaluated: 2020-11-30. Review status: criteria provided, single submitter. Criteria: Ambry Variant Classification Scheme 2023. Collection method: clinical testing. Allele origin: germline.
Comment: The c.1544C>T (p.T515M) alteration is located in exon 16 (coding exon 16) of the ATP13A2 gene. This alteration results from a C to T substitution at nucleotide position 1544, causing the threonine (T) at amino acid position 515 to be replaced by a methionine (M). The alteration is not observed in poulation databases:_x000D_ _x000D_ Based on data from the Genome Aggregation Database (gnomAD), the ATP13A2 c.1544C>T alteration was observed in 2 out of 146,928 total alleles studied (0.001%), having been observed in 0.004% (1/24,410) Latino alleles and 0.027% (1/3,754) alleles form other populations. Based on data from the NHLBI Exome Sequencing Project (ESP), the alteration was not observed among 6,327 individuals tested. Allele frequency data for this nucleotide position are not currently available from the 1000 Genomes Project. Rare missense alleles commonly exhibit a deleterious effect on protein function (Kryukov, 2007; Tennessen, 2012; please note that some variants may appear to be rare due to ethnic underrepresentation in the database). The altered amino acid is conserved throughout evolution:_x000D_ _x000D_ The p.T515 amino acid is conserved in available vertebrate species. The p.T515M alteration is predicted to be deleterious by in silico analysis. Based on insufficient or conflicting evidence, the clinical significance of this alteration remains unclear.

Neuberg Centre For Genomic Medicine, NCGM
Classification: Uncertain significance for Autosomal recessive spastic paraplegia type 78. Review status: criteria provided, single submitter. Criteria: ACMG Guidelines, 2015. Collection method: clinical testing. Allele origin: germline. Affected: yes.
Comment: The missense variant p.T515M in ATP13A2 (NM_022089.4) has not been reported previously as a pathogenic variant nor as a benign variant, to our knowledge. The p.T515M variant is observed in 2/25,136 (0.008%) alleles from individuals of Latino background in gnomAD Exomes and is novel (not in any individuals) in 1000 Genomes. The p.T515M missense variant is predicted to be damaging by both SIFT and PolyPhen2. The threonine residue at codon 515 of ATP13A2 is conserved in all mammalian species. The nucleotide c.1544 in ATP13A2 is predicted conserved by GERP++ and PhyloP across 100 vertebrates. For these reasons, this variant has been classified as Uncertain Significance.

Literature cited by the submitters: PubMed 30833663 (cited by Labcorp Genetics (formerly Invitae), Labcorp).

NM_022089.4(ATP13A2):c.1544C>T (p.Thr515Met)

Gene: ATP13A2 (ATPase cation transporting 13A2; minus strand). Cytogenetic location: 1p36.13.
Variant type: single nucleotide variant.
Coding change: c.1544C>T on transcript NM_022089.4 (MANE Select); coding-DNA position 1544, C replaced by T.
Protein change: p.Thr515Met; replaces threonine 515 with methionine.
Molecular consequence: missense variant.
Genome position (GRCh38, 1-based): chr1:16,993,834, G>A on the plus strand (C>T on the coding strand, the complement: ATP13A2 is on the minus strand). VCF-style: chr1-16993834-G-A. GRCh37 (hg19) VCF-style: chr1-17320329-G-A.
Other names: c.1529C>T, p.Thr510Met (NM_001141973.3, NM_001141974.3); short protein forms T510M, T515M.
Identifiers: ClinVar variation 985083 (VCV000985083.11), dbSNP rs984178348, ClinGen allele CA18634836.